The following is an entry in ClinVar:

NM_005751.5(AKAP9):c.6518G>A (p.Arg2173Gln)

Gene: AKAP9 (A-kinase anchoring protein 9; plus strand). Cytogenetic location: 7q21.2.
Variant type: single nucleotide variant.
Coding change: c.6518G>A on transcript NM_005751.5 (MANE Select); coding-DNA position 6518, G replaced by A.
Protein change: p.Arg2173Gln; replaces arginine 2173 with glutamine.
Molecular consequence: missense variant.
Genome position (GRCh38, 1-based): chr7:92,070,915, G>A. VCF-style: chr7-92070915-G-A. GRCh37 (hg19) VCF-style: chr7-91700229-G-A.
Other names: c.1163G>A, p.Arg388Gln (NM_001379277.1); c.6494G>A, p.Arg2165Gln (NM_147185.3); short protein forms R2165Q, R2173Q, R388Q.
Identifiers: ClinVar variation 643974 (VCV000643974.14), dbSNP rs749345540, ClinGen allele CA4337108.

ClinVar aggregate classification (germline): Conflicting classifications of pathogenicity. Review status: criteria provided, conflicting classifications (1 of 4 stars). 5 submissions from 5 submitters: Uncertain significance (3); Likely benign (2). Last evaluated 2026-02-03.

Conditions:
Long QT syndrome (LQTS). Identifiers: MedGen C0023976, MeSH D008133, MONDO:0002442. Disease mechanism: loss of function. Inheritance: Various modes of inheritance.
Cardiovascular phenotype. Identifiers: MedGen CN230736.
Long QT syndrome 11 (LQT11). Identifiers: Orphanet 101016, Orphanet 768, MedGen C2678483, MONDO:0012738, OMIM 611820.

Allele frequency attached by ClinVar (database versions not stated): TOPMed 0.00005; gnomAD 0.00006 and 0.00009; gnomAD exomes 0.00008 and 0.00014; ExAC 0.00013.
gnomAD v4.1: 131 of 1,612,288 alleles (0.0081%); highest among the groups gnomAD compares: South Asian, 0.054%; no homozygotes.

Submissions (5):

Labcorp Genetics (formerly Invitae), Labcorp
Classification: Uncertain significance for Long QT syndrome. Last evaluated: 2026-02-03. Review status: criteria provided, single submitter. Criteria: Invitae Variant Classification Sherloc (09022015). Collection method: clinical testing. Allele origin: germline.
Comment: This sequence change replaces arginine, which is basic and polar, with glutamine, which is neutral and polar, at codon 2173 of the AKAP9 protein (p.Arg2173Gln). This variant is present in population databases (rs749345540, gnomAD 0.06%), and has an allele count higher than expected for a pathogenic variant. This variant has not been reported in the literature in individuals affected with AKAP9-related conditions. ClinVar contains an entry for this variant (Variation ID: 643974). An algorithm developed to predict the effect of missense changes on protein structure and function outputs the following: PolyPhen-2: "Benign". The glutamine amino acid residue is found in multiple mammalian species, which suggests that this missense change does not adversely affect protein function. In summary, the available evidence is currently insufficient to determine the role of this variant in disease. Therefore, it has been classified as a Variant of Uncertain Significance.

Blueprint Genetics
Classification: Likely benign. Last evaluated: 2024-08-29. Review status: criteria provided, single submitter. Criteria: ACMG Guidelines, 2015. Collection method: clinical testing. Allele origin: germline.

Revvity Omics, Revvity
Classification: Uncertain significance for Long QT syndrome 11. Last evaluated: 2023-02-14. Review status: criteria provided, single submitter. Criteria: ACMG Guidelines, 2015. Collection method: clinical testing. Allele origin: germline.

Ambry Genetics
Classification: Likely benign for Cardiovascular phenotype. Last evaluated: 2021-11-12. Review status: criteria provided, single submitter. Criteria: Ambry Variant Classification Scheme 2023. Collection method: clinical testing. Allele origin: germline.

Fulgent Genetics
Classification: Uncertain significance for Long QT syndrome 11. Last evaluated: 2021-08-20. Review status: criteria provided, single submitter. Criteria: ACMG Guidelines, 2015. Collection method: clinical testing. Allele origin: unknown.